The following is an entry in ClinVar:

ClinVar aggregate classification (germline): Pathogenic. Review status: reviewed by expert panel (3 of 4 stars). 2 submissions from 2 submitters: Pathogenic (1). 1 of the submissions does not count toward it. Last evaluated 2016-10-18.

Conditions:
Breast-ovarian cancer, familial, susceptibility to, 1 (BROVCA1). Also called: OVARIAN CANCER, SUSCEPTIBILITY TO; BRCA1 Hereditary Breast and Ovarian Cancer. Identifiers: Orphanet 145, MedGen C2676676, MONDO:0011450, OMIM 604370. Disease mechanism: loss of function.

Submissions (2):

Evidence-based Network for the Interpretation of Germline Mutant Alleles (ENIGMA)
Classification: Pathogenic for Breast-ovarian cancer, familial, susceptibility to, 1. Last evaluated: 2016-10-18. Review status: reviewed by expert panel. Criteria: ENIGMA BRCA1/2 Classification Criteria (2015). Collection method: curation. Allele origin: germline.
Comment: Variant allele predicted to encode a truncated non-functional protein.

Consortium of Investigators of Modifiers of BRCA1/2 (CIMBA), c/o University of Cambridge
Classification: Pathogenic for Breast-ovarian cancer, familial, susceptibility to, 1. Last evaluated: 2015-10-02. Review status: criteria provided, single submitter. Criteria: CIMBA Mutation Classification guidelines May 2016. Collection method: clinical testing. Allele origin: germline. Not counted in ClinVar's aggregate classification.

NM_007294.4(BRCA1):c.3168del (p.Ser1057fs)

Gene: BRCA1 (BRCA1 DNA repair associated; minus strand). Cytogenetic location: 17q21.31.
Variant type: Deletion.
Coding change: c.3168del on transcript NM_007294.4 (MANE Select); coding-DNA position 3168, one base deleted (C; older notation c.3168delC).
Protein change: p.Ser1057fs; shifts the reading frame from serine 1057.
Molecular consequence: frameshift variant. On other transcripts: intron variant (137).
Genome position (GRCh38, 1-based): chr17:43,092,363, G deleted on the plus strand (C on the coding strand, the reverse complement: BRCA1 is on the minus strand); the first of 2 consecutive G bases (chr17:43,092,363-43,092,364); deleting either gives the same sequence. VCF-style (leftmost placement, unchanged base first): chr17-43092362-TG-T. GRCh37 (hg19) VCF-style: chr17-41244379-TG-T.
Other names: 3286delC; c.3168delC (NM_007294.3); c.710-1331del (NM_001408412.1, NM_001408409.1, NM_001408414.1 and 2 more transcripts); c.452-1331del (NM_001408509.1, NM_001408508.1); c.575-1331del (NM_001408491.1, NM_001408493.1, NM_001408490.1); c.461-1331del (NM_001408506.1, NM_001408507.1); c.578-1331del (NM_001408481.1, NM_001408480.1, NM_001408492.1 and 9 more transcripts); c.779-1331del (NM_001408408.1); and 43 more; short protein forms S1010fs, S1057fs, S1016fs, S986fs, S987fs, S1031fs, S930fs, S945fs.
Identifiers: ClinVar variation 54786 (VCV000054786.7), dbSNP rs397509044, ClinGen allele CA002063.